The following is an entry in ClinVar:

NM_002615.7(SERPINF1):c.1226T>C (p.Ile409Thr)

Gene: SERPINF1 (serpin family F member 1; plus strand). Cytogenetic location: 17p13.3.
Variant type: single nucleotide variant.
Coding change: c.1226T>C on transcript NM_002615.7 (MANE Select); coding-DNA position 1226, T replaced by C.
Protein change: p.Ile409Thr; replaces isoleucine 409 with threonine.
Molecular consequence: missense variant.
Genome position (GRCh38, 1-based): chr17:1,777,415, T>C. VCF-style: chr17-1777415-T-C. GRCh37 (hg19) VCF-style: chr17-1680709-T-C.
Other names: c.1226T>C, p.Ile409Thr (NM_001329903.2); c.665T>C, p.Ile222Thr (NM_001329904.2, NM_001329905.2); short protein forms I409T, I222T.
Identifiers: ClinVar variation 322016 (VCV000322016.6), dbSNP rs369156271, ClinGen allele CA8274982.

ClinVar aggregate classification (germline): Uncertain significance (1 of 4 stars; one submission).

Allele frequency attached by ClinVar (database versions not stated): gnomAD 0.00001; gnomAD exomes 0.00001 and 0.00002; ExAC 0.00002; TOPMed 0.00002; ESP Exome Variant Server 0.00008.
gnomAD v4.1: 15 of 1,614,030 alleles (0.00093%); highest among the groups gnomAD compares: East Asian, 0.0067%; no homozygotes.

Submission:

Labcorp Genetics (formerly Invitae), Labcorp
Classification: Uncertain significance. Last evaluated: 2026-01-11. Review status: criteria provided, single submitter. Criteria: Invitae Variant Classification Sherloc (09022015). Collection method: clinical testing. Allele origin: germline.
Comment: This sequence change replaces isoleucine, which is neutral and non-polar, with threonine, which is neutral and polar, at codon 409 of the SERPINF1 protein (p.Ile409Thr). This variant is present in population databases (rs369156271, gnomAD 0.006%). This missense change has been observed in individual(s) with clinical features of osteogenesis imperfecta (PMID: 33077954, 37425194). ClinVar contains an entry for this variant (Variation ID: 322016). Invitae Evidence Modeling of protein sequence and biophysical properties (such as structural, functional, and spatial information, amino acid conservation, physicochemical variation, residue mobility, and thermodynamic stability) indicates that this missense variant is not expected to disrupt SERPINF1 protein function with a negative predictive value of 80%. In summary, the available evidence is currently insufficient to determine the role of this variant in disease. Therefore, it has been classified as a Variant of Uncertain Significance.

Literature cited by the submitters: PubMed 33077954; PubMed 37425194.